The following is an entry in ClinVar:

NM_012199.5(AGO1):c.2034C>T (p.Leu678=)

Gene: AGO1 (argonaute RISC component 1; plus strand). Cytogenetic location: 1p34.3.
Variant type: single nucleotide variant.
Coding change: c.2034C>T on transcript NM_012199.5 (MANE Select); coding-DNA position 2034, C replaced by T.
Protein change: p.Leu678=; no amino-acid change (leucine 678 retained).
Molecular consequence: synonymous variant.
Genome position (GRCh38, 1-based): chr1:35,917,598, C>T. VCF-style: chr1-35917598-C-T. GRCh37 (hg19) VCF-style: chr1-36383199-C-T.
Other names: c.2034C>T, p.Leu678= (NM_001317122.2); c.1809C>T, p.Leu603= (NM_001317123.2).
Identifiers: ClinVar variation 4822591 (VCV004822591.4).
Genomic context (GRCh38, chr1:35,917,598, plus strand): 5'-AACTCAAGAGGAACTGTGTATTTCTTTGTTTCCCTCCCCATTTTTTTGTGCCTAGATACT[C>T]CACTATGAGCTACTGGCCATTCGTGATGCCTGCATCAAACTGGAAAAGGACTACCAGCCT-3'
Protein context (NP_036331.1, residues 668-688): GVPEGQLPQI[Leu678=]HYELLAIRDA

ClinVar aggregate classification (germline): Likely benign (1 of 4 stars; one submission).

Submission:

CeGaT Center for Human Genetics Tuebingen
Classification: Likely benign. Last evaluated: 2026-02-01. Review status: criteria provided, single submitter. Criteria: CeGaT Center For Human Genetics Tuebingen Variant Classification Criteria Version 2. Collection method: clinical testing. Allele origin: germline. Affected: yes. Observed: 1 variant allele.
Comment: AGO1: BP4, BP7